The following is an entry in ClinVar:

ClinVar aggregate classification (germline): Pathogenic/Likely pathogenic. Review status: criteria provided, multiple submitters, no conflicts (2 of 4 stars). 9 submissions from 9 submitters: Pathogenic (7); Likely pathogenic (1). 1 of the submissions does not count toward it. Last evaluated 2026-02-09.

Conditions:
Paediatric disorders.
Noonan syndrome and Noonan-related syndrome. Identifiers: Orphanet 98733, MedGen C5681679, MONDO:0020297.
Cardiovascular phenotype. Identifiers: MedGen CN230736.
RASopathy. Also called: Noonan spectrum disorder; rasopathies. Identifiers: Orphanet 536391, MedGen C5555857, MONDO:0021060.
Noonan syndrome (NS). Also called: Noonan's syndrome. Identifiers: Orphanet 648, MedGen C0028326, MeSH D009634, MONDO:0018997. Disease mechanism: gain of function.
Noonan syndrome 1 (NS1). Also called: FEMALE PSEUDO-TURNER SYNDROME; PTPN11-Related Noonan Syndrome; TURNER PHENOTYPE WITH NORMAL KARYOTYPE. Identifiers: Orphanet 648, MedGen C4551602, MONDO:0008104, OMIM 163950. Disease mechanism: gain of function.
Noonan syndrome 3 (NS3). Also called: KRAS-Related Noonan Syndrome. Identifiers: Orphanet 648, MedGen C1860991, MONDO:0012371, OMIM 609942.

Allele frequency attached by ClinVar (database versions not stated): gnomAD exomes below 0.00001.
gnomAD v4.1: 1 of 1,613,820 alleles (0.000062%); highest among the groups gnomAD compares: Non-Finnish European, 0.000085%; no homozygotes.

Submissions (9):

North West Genomic Laboratory Hub, Manchester University NHS Foundation Trust
Classification: Pathogenic for Paediatric disorders. Last evaluated: 2026-02-09. Review status: criteria provided, single submitter. Criteria: ACGS Best Practice Guidelines for Variant Classification in Rare Disease 2024. Collection method: clinical testing. Allele origin: germline. Affected: yes.
Comment: PP2_Supp PM2_Supp PM5_Str PS4_Mod PS2_Mod

Labcorp Genetics (formerly Invitae), Labcorp
Classification: Pathogenic for RASopathy. Last evaluated: 2025-04-27. Review status: criteria provided, single submitter. Criteria: Invitae Variant Classification Sherloc (09022015). Collection method: clinical testing. Allele origin: germline.
Comment: This sequence change replaces glutamic acid, which is acidic and polar, with lysine, which is basic and polar, at codon 110 of the PTPN11 protein (p.Glu110Lys). This variant is not present in population databases (gnomAD no frequency). This missense change has been observed in individual(s) with Noonan syndrome (PMID: 22465605, 24150203, 24451042). In at least one individual the variant was observed to be de novo. ClinVar contains an entry for this variant (Variation ID: 40507). Invitae Evidence Modeling of protein sequence and biophysical properties (such as structural, functional, and spatial information, amino acid conservation, physicochemical variation, residue mobility, and thermodynamic stability) has been performed for this missense variant. However, the output from this modeling did not meet the statistical confidence thresholds required to predict the impact of this variant on PTPN11 protein function. For these reasons, this variant has been classified as Pathogenic.

Ambry Genetics
Classification: Pathogenic for Cardiovascular phenotype. Last evaluated: 2024-11-04. Review status: criteria provided, single submitter. Criteria: Ambry Variant Classification Scheme 2023. Collection method: clinical testing. Allele origin: germline.
Comment: The p.E110K variant (also known as c.328G>A), located in coding exon 3 of the PTPN11 gene, results from a G to A substitution at nucleotide position 328. The glutamic acid at codon 110 is replaced by lysine, an amino acid with similar properties. This variant was detected in multiple individuals with features consistent with PTPN11-related RASopathy; in at least individual, it was reported to have occurred de novo (Ezquieta B et al. Rev Esp Cardiol (Engl Ed), 2012 May;65:447-55; Lepri FR et al. BMC Med Genet, 2014 Jan;15:14; Rodr&iacute;guez FA et al. J. Pediatr. Endocrinol. Metab., 2014 Mar;27:305-9; Elmas M et al. J Pediatr Genet, 2022 Jun;11:110-116; Swarts JW et al. Am J Med Genet A, 2022 Nov;188:3242-3261). This amino acid position is highly conserved in available vertebrate species. In addition, this alteration is predicted to be deleterious by in silico analysis. This variant is considered to be rare based on population cohorts in the Genome Aggregation Database (gnomAD). Gain-of-function variants in PTPN11 are known to cause RASopathy; however, such associations with metachondromatosis have not been observed (Bowen ME et al. PLoS Genet, 2011 Apr;7:e1002050). Based on the supporting evidence, this variant is interpreted as a disease-causing mutation for PTPN11-related RASopathy; however, it is unlikely to be causative of metachondromatosis.

GeneDx
Classification: Pathogenic. Last evaluated: 2023-08-11. Review status: criteria provided, single submitter. Criteria: GeneDx Variant Classification Process June 2021. Collection method: clinical testing. Allele origin: germline. Affected: yes.
Comment: In silico analysis supports that this missense variant has a deleterious effect on protein structure/function; Missense variants in this gene are often considered pathogenic (HGMD); This variant is associated with the following publications: (PMID: 22465605, 29907801, 24451042, 30050098, 35769956, 24150203, 29493581, 35979676)

Neuberg Centre For Genomic Medicine, NCGM
Classification: Pathogenic for Noonan syndrome 1. Last evaluated: 2023-05-20. Review status: criteria provided, single submitter. Criteria: ACMG Guidelines, 2015. Collection method: clinical testing. Allele origin: germline. Inheritance: Autosomal dominant inheritance. Affected: yes.
Comment: The missense c.328G>A (p.Glu110Lys) variant in the PTPN11 gene which is located in a mutational hot spot has been reported previously in a heterozygous state in individuals affected with Noonan syndrome (Lepri et al., 2014; Rodríguez et al., 2014). Different amino acid change affecting codon 110 (p.Glu110Ala) is reported as a known pathogenic variant. The glutamic acid 110 localizes at the linker stretch, which connects the N-SH2 and C-SH2 domains of SHP-2. Mutations affecting this linker are predicted to alter the relative orientation or mobility of N-SH2, which may abrogate its autoinhibitory function (Tartaglia et al., 2006; Rodríguez et al., 2014). The amino acid Glutamic Acid at position 110 is changed to a Lysine changing protein sequence and it might alter its composition and physico-chemical properties. This variant has been reported to the ClinVar database as Pathogenic/ Likely Pathogenic. Multiple lines of computational evidence (Polyphen - Damaging, SIFT - Damaging and MutationTaster - Disease causing) predict a damaging effect on protein structure and function for this variant. The amino acid change p.Glu110Lys in PTPN11 is predicted as conserved by GERP++ and PhyloP across 100 vertebrates. For these reasons, this variant has been classified as Pathogenic.

Genome Diagnostics Laboratory, The Hospital for Sick Children
Classification: Pathogenic for Noonan syndrome and Noonan-related syndrome. Last evaluated: 2020-08-07. Review status: criteria provided, single submitter. Criteria: ACMG Guidelines, 2015. Collection method: clinical testing. Allele origin: germline. Affected: yes.

Women's Health and Genetics/Laboratory Corporation of America, LabCorp
Classification: Likely pathogenic for Noonan syndrome 3. Last evaluated: 2016-03-14. Review status: criteria provided, single submitter. Criteria: LabCorp Variant Classification Summary - May 2015. Collection method: clinical testing. Allele origin: germline.

Laboratory for Molecular Medicine, Mass General Brigham Personalized Medicine
Classification: Pathogenic for Noonan syndrome. Last evaluated: 2014-11-21. Review status: criteria provided, single submitter. Criteria: LMM Criteria. Collection method: clinical testing. Allele origin: germline. Observed: 1 variant allele.
Comment: The p.Glu110Lys variant in PTPN11 has been previously identified in three indivi duals with clinical features of Noonan syndrome (Ezquieta 2012, Rodriguez 2014, LMM unpublished data) and was reported to have occurred de novo in two of these individuals (Ezquieta 2012, LMM unpublished data). It was absent from large popu lation studies (dbSNP rs397507518). In summar y, the p.Glu110Lys variant in PTPN11 meets our criteria to be classified as path ogenic (ne/).

Service de Génétique Moléculaire, Hôpital Robert Debré
Classification: Uncertain significance for Noonan syndrome. Review status: flagged submission. Collection method: clinical testing. Allele origin: unknown. Affected: yes. Not counted in ClinVar's aggregate classification.
ClinVar note: Reason: Outlier claim with insufficient supporting evidence

Literature cited by the submitters: PubMed 22465605 (cited by Labcorp Genetics (formerly Invitae), Labcorp and Ambry Genetics); PubMed 24150203 (cited by 3 submitters); PubMed 24451042 (cited by 3 submitters); PubMed 15001945 (cited by Ambry Genetics); PubMed 21533187 (cited by Ambry Genetics); PubMed 35769956 (cited by Ambry Genetics); PubMed 35979676 (cited by Ambry Genetics).

NM_002834.5(PTPN11):c.328G>A (p.Glu110Lys)

Gene: PTPN11 (protein tyrosine phosphatase non-receptor type 11; plus strand). Cytogenetic location: 12q24.13.
Variant type: single nucleotide variant.
Coding change: c.328G>A on transcript NM_002834.5 (MANE Select); coding-DNA position 328, G replaced by A.
Protein change: p.Glu110Lys; replaces glutamic acid 110 with lysine.
Molecular consequence: missense variant.
Genome position (GRCh38, 1-based): chr12:112,450,508, G>A. VCF-style: chr12-112450508-G-A. GRCh37 (hg19) VCF-style: chr12-112888312-G-A.
Other names: p.E110K:GAA>AAA; c.328G>A, p.Glu110Lys (NM_001330437.2, NM_080601.3); c.325G>A, p.Glu109Lys (NM_001374625.1); short protein forms E110K, E109K.
Identifiers: ClinVar variation 40507 (VCV000040507.25), dbSNP rs397507518, ClinGen allele CA261587.